The following is an entry in ClinVar:

ClinVar aggregate classification (germline): Uncertain significance. Review status: criteria provided, multiple submitters, no conflicts (2 of 4 stars). 2 submissions from 2 submitters: Uncertain significance (2). Last evaluated 2025-07-07.

Conditions:
Inborn genetic diseases. Identifiers: MedGen C0950123, MeSH D030342.
Malignant hyperthermia, susceptibility to, 1 (MHS1). Also called: Anesthesia related hyperthermia; Malignant hyperpyrexia; Fulminating hyperpyrexia; Pharmacogenic myopathy; RYR1-Related Malignant Hyperthermia Susceptibility; Malignant hyperthermia suceptibility 1. Identifiers: Orphanet 423, MedGen C2930980, MONDO:0007783, OMIM 145600.

Submissions (2):

Color Diagnostics, LLC DBA Color Health
Classification: Uncertain significance for Malignant hyperthermia, susceptibility to, 1. Last evaluated: 2025-07-07. Review status: criteria provided, single submitter. Criteria: ACMG Guidelines, 2015. Collection method: clinical testing. Allele origin: germline.
Comment: This missense variant replaces isoleucine with threonine at codon 4070 of the RYR1 protein. Computational prediction suggests that this variant may not impact protein structure and function. To our knowledge, functional studies have not been reported for this variant. This variant has not been reported in individuals affected with RYR1-related disorders in the literature. This variant has not been identified in the general population by the Genome Aggregation Database (gnomAD). The available evidence is insufficient to determine the role of this variant in disease conclusively. Therefore, this variant is classified as a Variant of Uncertain Significance.

Ambry Genetics
Classification: Uncertain significance for Inborn genetic diseases. Last evaluated: 2025-05-19. Review status: criteria provided, single submitter. Criteria: Ambry Variant Classification Scheme 2023. Collection method: clinical testing. Allele origin: germline.

NM_000540.3(RYR1):c.12209T>C (p.Ile4070Thr)

Gene: RYR1 (ryanodine receptor 1; plus strand). Cytogenetic location: 19q13.2.
Variant type: single nucleotide variant.
Coding change: c.12209T>C on transcript NM_000540.3 (MANE Select); coding-DNA position 12209, T replaced by C.
Protein change: p.Ile4070Thr; replaces isoleucine 4070 with threonine.
Molecular consequence: missense variant.
Genome position (GRCh38, 1-based): chr19:38,548,347, T>C. VCF-style: chr19-38548347-T-C. GRCh37 (hg19) VCF-style: chr19-39038987-T-C.
Other names: c.12194T>C, p.Ile4065Thr (NM_001042723.2); short protein forms I4070T, I4065T.
Identifiers: ClinVar variation 3949035 (VCV003949035.2).
Genomic context (GRCh38, chr19:38,548,347, plus strand): 5'-CCTCATCCAATGTGGAGATGATCCTCAAGTTCTTCGACATGTTCCTGAAACTCAAGGACA[T>C]TGTGGGCTCTGAAGCCTTCCAGGACTACGTAACGGATCCCCGTGGCCTCATCTCCAAGAA-3'
Protein context (NP_000531.2, residues 4060-4080): FFDMFLKLKD[Ile4070Thr]VGSEAFQDYV